The following is an entry in ClinVar:

NM_001352754.2(ARMC9):c.2116T>A (p.Cys706Ser)

Gene: ARMC9 (armadillo repeat containing 9; plus strand). Cytogenetic location: 2q37.1.
Variant type: single nucleotide variant.
Coding change: c.2116T>A on transcript NM_001352754.2 (MANE Select); coding-DNA position 2116, T replaced by A.
Protein change: p.Cys706Ser; replaces cysteine 706 with serine.
Molecular consequence: missense variant.
Genome position (GRCh38, 1-based): chr2:231,355,919, T>A. VCF-style: chr2-231355919-T-A. GRCh37 (hg19) VCF-style: chr2-232220631-T-A.
Other names: c.2116T>A, p.Cys706Ser (NM_001271466.4); short protein forms C706S.
Identifiers: ClinVar variation 1485863 (VCV001485863.6), dbSNP rs2125590894, ClinGen allele CA350957829.

ClinVar aggregate classification (germline): Uncertain significance (1 of 4 stars; one submission).

Allele frequency attached by ClinVar (database versions not stated): gnomAD exomes below 0.00001.
gnomAD v4.1: 1 of 1,535,814 alleles (0.000065%); highest among the groups gnomAD compares: Middle Eastern, 0.017%; no homozygotes.

Submission:

Labcorp Genetics (formerly Invitae), Labcorp
Classification: Uncertain significance. Last evaluated: 2021-03-25. Review status: criteria provided, single submitter. Criteria: Invitae Variant Classification Sherloc (09022015). Collection method: clinical testing. Allele origin: germline.
Comment: In summary, the available evidence is currently insufficient to determine the role of this variant in disease. Therefore, it has been classified as a Variant of Uncertain Significance. Experimental studies and prediction algorithms are not available or were not evaluated, and the functional significance of this variant is currently unknown. This variant has not been reported in the literature in individuals with ARMC9-related conditions. The frequency data for this variant in the population databases is considered unreliable, as metrics indicate insufficient coverage at this position in the ExAC database. This sequence change replaces cysteine with serine at codon 706 of the ARMC9 protein (p.Cys706Ser). The cysteine residue is weakly conserved and there is a moderate physicochemical difference between cysteine and serine.